The following is an entry in ClinVar:

ClinVar aggregate classification (germline): Uncertain significance (1 of 4 stars; one submission).

Conditions:
Spastic paraplegia. Identifiers: MedGen C0037772, HP:0001258.

Submission:

Labcorp Genetics (formerly Invitae), Labcorp
Classification: Uncertain significance for Spastic paraplegia. Last evaluated: 2019-12-30. Review status: criteria provided, single submitter. Criteria: Invitae Variant Classification Sherloc (09022015). Collection method: clinical testing. Allele origin: germline.
Comment: This variant is not present in population databases (ExAC no frequency). This variant has not been reported in the literature in individuals with ZFYVE26-related conditions. Algorithms developed to predict the effect of missense changes on protein structure and function output the following: SIFT: "Deleterious"; PolyPhen-2: "Benign"; Align-GVGD: "Class C0". The glutamic acid amino acid residue is found in multiple mammalian species, suggesting that this missense change does not adversely affect protein function. These predictions have not been confirmed by published functional studies and their clinical significance is uncertain. Algorithms developed to predict the effect of sequence changes on RNA splicing suggest that this variant may create or strengthen a splice site, but this prediction has not been confirmed by published transcriptional studies. In summary, the available evidence is currently insufficient to determine the role of this variant in disease. Therefore, it has been classified as a Variant of Uncertain Significance. This sequence change replaces lysine with glutamic acid at codon 669 of the ZFYVE26 protein (p.Lys669Glu). The lysine residue is highly conserved and there is a small physicochemical difference between lysine and glutamic acid.

NM_015346.4(ZFYVE26):c.2005A>G (p.Lys669Glu)

Gene: ZFYVE26 (zinc finger FYVE-type containing 26; minus strand). Cytogenetic location: 14q24.1.
Variant type: single nucleotide variant.
Coding change: c.2005A>G on transcript NM_015346.4 (MANE Select); coding-DNA position 2005, A replaced by G.
Protein change: p.Lys669Glu; replaces lysine 669 with glutamic acid.
Molecular consequence: missense variant.
Genome position (GRCh38, 1-based): chr14:67,798,257, T>C on the plus strand (A>G on the coding strand, the complement: ZFYVE26 is on the minus strand). VCF-style: chr14-67798257-T-C. GRCh37 (hg19) VCF-style: chr14-68264974-T-C.
Other names: short protein forms K669E.
Identifiers: ClinVar variation 849497 (VCV000849497.10), dbSNP rs2040000209, ClinGen allele CA390175389.